The following is an entry in ClinVar:

ClinVar aggregate classification (germline): Conflicting classifications of pathogenicity. Review status: criteria provided, conflicting classifications (1 of 4 stars). 5 submissions from 5 submitters: Uncertain significance (1); Likely benign (3). 1 of the submissions does not count toward it. Last evaluated 2026-04-27.

Conditions:
NPC1-related disorder. Also called: NPC1-related condition.
Niemann-Pick disease, type C1. Also called: NEUROVISCERAL STORAGE DISEASE WITH VERTICAL SUPRANUCLEAR OPHTHALMOPLEGIA; NIEMANN-PICK DISEASE WITH CHOLESTEROL ESTERIFICATION BLOCK; NIEMANN-PICK DISEASE WITHOUT SPHINGOMYELINASE DEFICIENCY; NIEMANN-PICK DISEASE, CHRONIC NEURONOPATHIC FORM; NIEMANN-PICK DISEASE, VARIANT TYPE C1. Identifiers: Orphanet 646, MedGen C3179455, MONDO:0009757, OMIM 257220.

Allele frequency attached by ClinVar (database versions not stated): TOPMed 0.00003; ExAC 0.00005; ESP Exome Variant Server 0.00008; gnomAD 0.00009.
gnomAD v4.1: 70 of 1,614,156 alleles (0.0043%); highest among the groups gnomAD compares: African/African-American, 0.0093%; no homozygotes.

Submissions (5):

PreventionGenetics, part of Exact Sciences
Classification: Likely benign for NPC1-related condition. Last evaluated: 2026-04-27. Review status: criteria provided, single submitter. Criteria: ACMG Guidelines, 2015. Collection method: clinical testing. Allele origin: germline.
Comment: This variant is classified as likely benign based on ACMG/AMP sequence variant interpretation guidelines (Richards et al. 2015 PMID: 25741868, with internal and published modifications).

Labcorp Genetics (formerly Invitae), Labcorp
Classification: Likely benign for Niemann-Pick disease, type C1. Last evaluated: 2025-11-28. Review status: criteria provided, single submitter. Criteria: Invitae Variant Classification Sherloc (09022015). Collection method: clinical testing. Allele origin: germline.

CeGaT Center for Human Genetics Tuebingen
Classification: Likely benign. Last evaluated: 2022-10-01. Review status: criteria provided, single submitter. Criteria: CeGaT Center For Human Genetics Tuebingen Variant Classification Criteria Version 2. Collection method: clinical testing. Allele origin: germline. Affected: yes. Observed: 1 variant allele.
Comment: NPC1: BP4, BP7

Illumina Laboratory Services, Illumina
Classification: Uncertain significance for Niemann-Pick disease type C1. Last evaluated: 2018-01-12. Review status: criteria provided, single submitter. Criteria: ICSL Variant Classification Criteria 13 December 2019. Collection method: clinical testing. Allele origin: germline.

Natera, Inc.
Classification: Likely benign for Niemann-Pick disease type C1. Last evaluated: 2020-01-15. Review status: no assertion criteria provided. Collection method: clinical testing. Allele origin: germline. Not counted in ClinVar's aggregate classification.

NM_000271.5(NPC1):c.2775C>T (p.Asn925=)

Gene: NPC1 (NPC intracellular cholesterol transporter 1; minus strand). Cytogenetic location: 18q11.2.
Variant type: single nucleotide variant.
Coding change: c.2775C>T on transcript NM_000271.5 (MANE Select); coding-DNA position 2775, C replaced by T.
Protein change: p.Asn925=; no amino-acid change (asparagine 925 retained).
Molecular consequence: synonymous variant.
Genome position (GRCh38, 1-based): chr18:23,539,831, G>A on the plus strand (C>T on the coding strand, the complement: NPC1 is on the minus strand). VCF-style: chr18-23539831-G-A. GRCh37 (hg19) VCF-style: chr18-21119795-G-A.
Identifiers: ClinVar variation 326257 (VCV000326257.43), dbSNP rs147419225, ClinGen allele CA8912982.
Genomic context (GRCh38, chr18:23,539,831, plus strand): 5'-CCTCCGCTGCTTCTGAAGTACAAGACAAGGTGGTACTGACTAGTTGTCCAGCTGCGCCGC[G>A]TTAAATATCTGCTGCACCAGGGAATCATTGTTGCAGCCCATGCCGCCGCACACCATGTTC-3'
Protein context (NP_000262.2, residues 915-935): NNDSLVQQIF[Asn925=]AAQLDNYTRI